The following is an entry in ClinVar:

NM_000337.6(SGCD):c.466G>T (p.Glu156Ter)

Gene: SGCD (sarcoglycan delta; plus strand). Cytogenetic location: 5q33.3.
Variant type: single nucleotide variant.
Coding change: c.466G>T on transcript NM_000337.6 (MANE Select); coding-DNA position 466, G replaced by T.
Protein change: p.Glu156Ter; replaces glutamic acid 156 with a stop codon.
Molecular consequence: nonsense.
Genome position (GRCh38, 1-based): chr5:156,595,015, G>T. VCF-style: chr5-156595015-G-T. GRCh37 (hg19) VCF-style: chr5-156022025-G-T.
Other names: c.463G>T, p.Glu155Ter (NM_001128209.2); c.466G>T, p.Glu156Ter (NM_172244.3); short protein forms E156*, E155*.
Identifiers: ClinVar variation 1394105 (VCV001394105.6), dbSNP rs2113389536, ClinGen allele CA362010668.
Genomic context (GRCh38, chr5:156,595,015, plus strand): 5'-GGTAAAAAATTTGAGGTAAAAACTGTTTCTGGAAAATTGCTCTTCTCTGCAGACAATAAT[G>T]AAGTGGTAGTAGGAGCTGAAAGATTACGAGTTTTAGGTAAGGAAACTTGAATCATTTAAC-3'

ClinVar aggregate classification (germline): Pathogenic (1 of 4 stars; one submission).

Conditions:
Autosomal recessive limb-girdle muscular dystrophy type 2F (LGMDR6). Also called: Muscular dystrophy limb-girdle with delta-sarcoglyan deficiency; MUSCULAR DYSTROPHY, LIMB-GIRDLE, AUTOSOMAL RECESSIVE 6. Identifiers: Orphanet 219, MedGen C1832525, MONDO:0011028, OMIM 601287. Disease mechanism: Affects gamma-sarcoglycan and also disrupts the integrity of the entire sarcoglycan complex..

Submission:

Labcorp Genetics (formerly Invitae), Labcorp
Classification: Pathogenic for Autosomal recessive limb-girdle muscular dystrophy type 2F. Last evaluated: 2025-09-26. Review status: criteria provided, single submitter. Criteria: Invitae Variant Classification Sherloc (09022015). Collection method: clinical testing. Allele origin: germline.
Comment: This sequence change creates a premature translational stop signal (p.Glu156*) in the SGCD gene. It is expected to result in an absent or disrupted protein product. Loss-of-function variants in SGCD are known to be pathogenic (PMID: 8841194, 10735275, 10838250). This variant is not present in population databases (gnomAD no frequency). This variant has not been reported in the literature in individuals affected with SGCD-related conditions. ClinVar contains an entry for this variant (Variation ID: 1394105). Algorithms developed to predict the effect of sequence changes on RNA splicing suggest that this variant may disrupt the consensus splice site. For these reasons, this variant has been classified as Pathogenic.

Literature cited by the submitters: PubMed 8841194; PubMed 10735275; PubMed 10838250.